The following is an entry in ClinVar:

ClinVar aggregate classification (germline): Uncertain significance (1 of 4 stars; one submission).

Conditions:
Complex cortical dysplasia with other brain malformations 1. Identifiers: Orphanet 300570, MedGen C3808397, MONDO:0013541, OMIM 614039.

gnomAD v4.1: 1 of 1,613,950 alleles (0.000062%); no homozygotes.

Submission:

MVZ Praenatalmedizin und Genetik Nuernberg
Classification: Uncertain significance for Complex cortical dysplasia with other brain malformations 1. Last evaluated: 2024-12-27. Review status: criteria provided, single submitter. Criteria: ACMG Guidelines, 2015. Collection method: clinical testing. Allele origin: maternal. Affected: yes.
Comment: The extremely rare missense variant in TUBB3 has so far only been detected in one of 1,613,950 alleles in the general population (allele frequency: 0.000062%, 0x homozygous, gnomAD v4). It has not yet been described in the literature or annotated in the ClinVar database. In silico predictions indicate a pathogenic effect (CADDphred 25.30, REVEL: 0.82 damaging, alphaMissense: 0.996 likely pathogenic). The pathomechanism described so far appears to follow a gain-of-function model (PMID:20074521). In summary, based on the current data, we therefore consider this to be a variant of uncertain clinical significance (VUS) with a pathogenic tendency.

Literature cited by the submitters: PubMed 20074521.

NM_006086.4(TUBB3):c.184C>G (p.Arg62Gly)

Gene: TUBB3 (tubulin beta 3 class III; plus strand). Cytogenetic location: 16q24.3.
Variant type: single nucleotide variant.
Coding change: c.184C>G on transcript NM_006086.4 (MANE Select); coding-DNA position 184, C replaced by G.
Protein change: p.Arg62Gly; replaces arginine 62 with glycine.
Molecular consequence: missense variant. On other transcripts: 5 prime UTR variant (1).
Genome position (GRCh38, 1-based): chr16:89,933,485, C>G. VCF-style: chr16-89933485-C-G. GRCh37 (hg19) VCF-style: chr16-89999893-C-G.
Other names: c.-33C>G (NM_001197181.2); short protein forms R62G.
Identifiers: ClinVar variation 4813469 (VCV004813469.1).